The following is an entry in ClinVar:

NM_182961.4(SYNE1):c.1418dup (p.Asn473fs)

Gene: SYNE1 (spectrin repeat containing nuclear envelope protein 1; minus strand). Cytogenetic location: 6q25.2.
Variant type: Duplication.
Coding change: c.1418dup on transcript NM_182961.4 (MANE Select); coding-DNA position 1418, one base duplicated (A; older notation c.1418dupA).
Protein change: p.Asn473fs; shifts the reading frame from asparagine 473.
Molecular consequence: frameshift variant.
Genome position (GRCh38, 1-based): chr6:152,472,346, T duplicated on the plus strand (A on the coding strand, the reverse complement: SYNE1 is on the minus strand); the first of 2 consecutive T bases (chr6:152,472,346-152,472,347); duplicating either gives the same sequence. VCF-style (leftmost placement, unchanged base first): chr6-152472345-G-GT. GRCh37 (hg19) VCF-style: chr6-152793480-G-GT.
Other names: c.1439dup, p.Asn480fs (NM_033071.5); short protein forms N473fs, N480fs.
Identifiers: ClinVar variation 1162996 (VCV001162996.5), dbSNP rs2154279887, ClinGen allele CA2499218149.

ClinVar aggregate classification (germline): Likely pathogenic (1 of 4 stars; one submission).

Submission:

Mayo Clinic Laboratories, Mayo Clinic
Classification: Likely pathogenic. Last evaluated: 2021-01-04. Review status: criteria provided, single submitter. Criteria: ACMG Guidelines, 2015. Collection method: clinical testing. Allele origin: germline. Observed: 2 variant alleles.
Comment: PVS1, PM2